The following is an entry in ClinVar:

NM_007294.4(BRCA1):c.2866T>C (p.Ser956Pro)

Gene: BRCA1 (BRCA1 DNA repair associated; minus strand). Cytogenetic location: 17q21.31.
Variant type: single nucleotide variant.
Coding change: c.2866T>C on transcript NM_007294.4 (MANE Select); coding-DNA position 2866, T replaced by C.
Protein change: p.Ser956Pro; replaces serine 956 with proline.
Molecular consequence: missense variant. On other transcripts: intron variant (137).
Genome position (GRCh38, 1-based): chr17:43,092,665, A>G on the plus strand (T>C on the coding strand, the complement: BRCA1 is on the minus strand). VCF-style: chr17-43092665-A-G. GRCh37 (hg19) VCF-style: chr17-41244682-A-G.
Other names: c.2653T>C, p.Ser885Pro (NM_001407571.1, NM_001407853.1, NM_001407894.1 and 9 more transcripts); c.2866T>C, p.Ser956Pro (NM_001407581.1, NM_001407582.1, NM_001407583.1 and 30 more transcripts); c.2863T>C, p.Ser955Pro (NM_001407587.1, NM_001407590.1, NM_001407591.1 and 22 more transcripts); c.2857T>C, p.Ser953Pro (NM_001407646.1, NM_001407647.1); c.2743T>C, p.Ser915Pro (NM_001407648.1, NM_001407664.1, NM_001407665.1 and 19 more transcripts); c.2740T>C, p.Ser914Pro (NM_001407649.1, NM_001407670.1, NM_001407671.1 and 11 more transcripts); c.2788T>C, p.Ser930Pro (NM_001407653.1, NM_001407654.1, NM_001407655.1 and 4 more transcripts); c.2785T>C, p.Ser929Pro (NM_001407659.1, NM_001407660.1, NM_001407661.1 and 1 more transcripts); and 41 more; short protein forms S660P, S788P, S828P, S886P, S909P, S929P, S829P, S844P.
Identifiers: ClinVar variation 2130530 (VCV002130530.6), dbSNP rs1468065357, ClinGen allele CA10596255.
Genomic context (GRCh38, chr17:43,092,665, plus strand): 5'-TTTGTAAAAGTCCATGTTTATTTGGAGTAATGAGTCCAGTTTCGTTGCCTCTGAACTGAG[A>G]TGATAGACAAAACCTAGAGCCTCCTTTGATACTACATTTGGCATTATCAACTGGCTTATC-3'
Protein context (NP_009225.1, residues 946-966): IKGGSRFCLS[Ser956Pro]QFRGNETGLI

ClinVar aggregate classification (germline): Conflicting classifications of pathogenicity. Review status: criteria provided, conflicting classifications (1 of 4 stars). 3 submissions from 3 submitters: Uncertain significance (2); Likely benign (1). Last evaluated 2024-06-20.

Conditions:
Hereditary cancer-predisposing syndrome. Also called: Hereditary neoplastic syndrome; Tumor predisposition; Hereditary Cancer Syndrome; Neoplastic Syndromes, Hereditary. Identifiers: Orphanet 140162, MedGen C0027672, MeSH D009386, MONDO:0015356.
Hereditary breast ovarian cancer syndrome. Also called: Hereditary breast and ovarian cancer syndrome; BRCA1- and BRCA2-Associated Hereditary Breast and Ovarian Cancer; Hereditary breast and ovarian cancer syndrome (HBOC); Hereditary breast and/or ovarian cancer syndrome; Hereditary breast and ovarian cancer; Breast and ovarian cancer. Identifiers: Orphanet 145, MedGen C0677776, MeSH D061325, MONDO:0003582. Disease mechanism: loss of function.

Allele frequency attached by ClinVar (database versions not stated): gnomAD 0.00001.

Submissions (3):

Women's Health and Genetics/Laboratory Corporation of America, LabCorp
Classification: Uncertain significance. Last evaluated: 2024-06-20. Review status: criteria provided, single submitter. Criteria: LabCorp Variant Classification Summary - May 2015. Collection method: clinical testing. Allele origin: germline.

Labcorp Genetics (formerly Invitae), Labcorp
Classification: Uncertain significance for Hereditary breast ovarian cancer syndrome. Last evaluated: 2024-05-11. Review status: criteria provided, single submitter. Criteria: Invitae Variant Classification Sherloc (09022015). Collection method: clinical testing. Allele origin: germline.
Comment: This sequence change replaces serine, which is neutral and polar, with proline, which is neutral and non-polar, at codon 956 of the BRCA1 protein (p.Ser956Pro). This variant is present in population databases (no rsID available, gnomAD 0.01%). This variant has not been reported in the literature in individuals affected with BRCA1-related conditions. ClinVar contains an entry for this variant (Variation ID: 2130530). Advanced modeling of protein sequence and biophysical properties (such as structural, functional, and spatial information, amino acid conservation, physicochemical variation, residue mobility, and thermodynamic stability) performed at Invitae indicates that this missense variant is not expected to disrupt BRCA1 protein function with a negative predictive value of 95%. In summary, the available evidence is currently insufficient to determine the role of this variant in disease. Therefore, it has been classified as a Variant of Uncertain Significance.

University of Washington Department of Laboratory Medicine, University of Washington
Classification: Likely benign for Hereditary cancer-predisposing syndrome. Last evaluated: 2023-03-23. Review status: criteria provided, single submitter. Criteria: Dines et al. (Genet Med. 2020). Collection method: curation. Allele origin: germline.
Comment: Missense variant in a coldspot region where missense variants are very unlikely to be pathogenic (PMID:31911673).

BRCA1 coldspot (exon 11 using historical exon numbering). Reclassification based on statistical prior probability